The following is an entry in ClinVar:

NM_000059.4(BRCA2):c.3252T>C (p.Ser1084=)

Gene: BRCA2 (BRCA2 DNA repair associated; plus strand). Cytogenetic location: 13q13.1.
Variant type: single nucleotide variant.
Coding change: c.3252T>C on transcript NM_000059.4 (MANE Select); coding-DNA position 3252, T replaced by C.
Protein change: p.Ser1084=; no amino-acid change (serine 1084 retained).
Molecular consequence: synonymous variant.
Genome position (GRCh38, 1-based): chr13:32,337,607, T>C. VCF-style: chr13-32337607-T-C. GRCh37 (hg19) VCF-style: chr13-32911744-T-C.
Identifiers: ClinVar variation 427379 (VCV000427379.19), dbSNP rs1060502412, ClinGen allele CA483437625.
Genomic context (GRCh38, chr13:32,337,607, plus strand): 5'-AATTAATACTGTATCTGCACATTTACAGAGTAGTGTAGTTGTTTCTGATTGTAAAAATAG[T>C]CATATAACCCCTCAGATGTTATTTTCCAAGCAGGATTTTAATTCAAACCATAATTTAACA-3'
Protein context (NP_000050.3, residues 1074-1094): SSVVVSDCKN[Ser1084=]HITPQMLFSK

ClinVar aggregate classification (germline): Likely benign. Review status: reviewed by expert panel (3 of 4 stars). 5 submissions from 5 submitters: Likely benign (1). 4 of the submissions do not count toward it. Last evaluated 2017-06-29.

Conditions:
Hereditary breast ovarian cancer syndrome. Also called: Hereditary breast and ovarian cancer syndrome; Breast and ovarian cancer; BRCA1- and BRCA2-Associated Hereditary Breast and Ovarian Cancer; Hereditary breast and ovarian cancer syndrome (HBOC); Hereditary breast and/or ovarian cancer syndrome; Hereditary breast and ovarian cancer. Identifiers: Orphanet 145, MedGen C0677776, MeSH D061325, MONDO:0003582. Disease mechanism: loss of function.
Breast-ovarian cancer, familial, susceptibility to, 2 (BROVCA2). Also called: BRCA2 Hereditary Breast and Ovarian Cancer. Identifiers: Orphanet 145, MedGen C2675520, MONDO:0012933, OMIM 612555. Disease mechanism: loss of function.
Hereditary cancer-predisposing syndrome. Also called: Hereditary neoplastic syndrome; Neoplastic Syndromes, Hereditary; Hereditary Cancer Syndrome; Tumor predisposition. Identifiers: Orphanet 140162, MedGen C0027672, MeSH D009386, MONDO:0015356.

Allele frequency attached by ClinVar (database versions not stated): gnomAD exomes below 0.00001.
gnomAD v4.1: 2 of 1,591,930 alleles (0.00013%); highest among the groups gnomAD compares: Non-Finnish European, 0.00017%; no homozygotes.

Submissions (5):

Evidence-based Network for the Interpretation of Germline Mutant Alleles (ENIGMA)
Classification: Likely benign for Breast-ovarian cancer, familial, susceptibility to, 2. Last evaluated: 2017-06-29. Review status: reviewed by expert panel. Criteria: ENIGMA BRCA1/2 Classification Criteria (2017-06-29). Collection method: curation. Allele origin: germline.
Comment: Synonymous substitution variant, with low bioinformatic likelihood to result in a splicing aberration (Splicing prior probability 0.02).

CeGaT Center for Human Genetics Tuebingen
Classification: Likely benign. Last evaluated: 2026-09-01. Review status: criteria provided, single submitter. Criteria: CeGaT Center For Human Genetics Tuebingen Variant Classification Criteria Version 2. Collection method: clinical testing. Allele origin: germline. Affected: yes. Observed: 1 variant allele. Not counted in ClinVar's aggregate classification.
Comment: BRCA2: BP4, BP7

Labcorp Genetics (formerly Invitae), Labcorp
Classification: Likely benign for Hereditary breast ovarian cancer syndrome. Last evaluated: 2023-10-14. Review status: criteria provided, single submitter. Criteria: Invitae Variant Classification Sherloc (09022015). Collection method: clinical testing. Allele origin: germline. Not counted in ClinVar's aggregate classification.

Ambry Genetics
Classification: Likely benign for Hereditary cancer-predisposing syndrome. Last evaluated: 2022-05-12. Review status: criteria provided, single submitter. Criteria: Ambry Variant Classification Scheme 2023. Collection method: clinical testing. Allele origin: germline. Not counted in ClinVar's aggregate classification.

Women's Health and Genetics/Laboratory Corporation of America, LabCorp
Classification: Likely benign. Last evaluated: 2019-08-21. Review status: criteria provided, single submitter. Criteria: LabCorp Variant Classification Summary - May 2015. Collection method: clinical testing. Allele origin: germline. Not counted in ClinVar's aggregate classification.